The following is an entry in ClinVar:

ClinVar aggregate classification (germline): Uncertain significance. Review status: criteria provided, multiple submitters, no conflicts (2 of 4 stars). 2 submissions from 2 submitters: Uncertain significance (2). Last evaluated 2025-04-28.

Conditions:
Inborn genetic diseases. Identifiers: MedGen C0950123, MeSH D030342.

gnomAD v4.1: 6 of 1,613,966 alleles (0.00037%); highest among the groups gnomAD compares: Admixed American, 0.0067%; no homozygotes.

Submissions (2):

Labcorp Genetics (formerly Invitae), Labcorp
Classification: Uncertain significance. Last evaluated: 2025-04-28. Review status: criteria provided, single submitter. Criteria: Invitae Variant Classification Sherloc (09022015). Collection method: clinical testing. Allele origin: germline.
Comment: This sequence change replaces glycine, which is neutral and non-polar, with aspartic acid, which is acidic and polar, at codon 510 of the KRT6A protein (p.Gly510Asp). This variant is not present in population databases (gnomAD no frequency). This variant has not been reported in the literature in individuals affected with KRT6A-related conditions. ClinVar contains an entry for this variant (Variation ID: 3536091). Invitae Evidence Modeling of protein sequence and biophysical properties (such as structural, functional, and spatial information, amino acid conservation, physicochemical variation, residue mobility, and thermodynamic stability) has been performed for this missense variant. However, the output from this modeling did not meet the statistical confidence thresholds required to predict the impact of this variant on KRT6A protein function. In summary, the available evidence is currently insufficient to determine the role of this variant in disease. Therefore, it has been classified as a Variant of Uncertain Significance.

Ambry Genetics
Classification: Uncertain significance for Inborn genetic diseases. Last evaluated: 2024-07-14. Review status: criteria provided, single submitter. Criteria: Ambry Variant Classification Scheme 2023. Collection method: clinical testing. Allele origin: germline.

NM_005554.4(KRT6A):c.1529G>A (p.Gly510Asp)

Gene: KRT6A (keratin 6A; minus strand). Cytogenetic location: 12q13.13.
Variant type: single nucleotide variant.
Coding change: c.1529G>A on transcript NM_005554.4 (MANE Select); coding-DNA position 1529, G replaced by A.
Protein change: p.Gly510Asp; replaces glycine 510 with aspartic acid.
Molecular consequence: missense variant.
Genome position (GRCh38, 1-based): chr12:52,487,886, C>T on the plus strand (G>A on the coding strand, the complement: KRT6A is on the minus strand). VCF-style: chr12-52487886-C-T. GRCh37 (hg19) VCF-style: chr12-52881670-C-T.
Other names: short protein forms G510D.
Identifiers: ClinVar variation 3536091 (VCV003536091.3).